The following is an entry in ClinVar:

NM_001377.3(DYNC2H1):c.11725+89C>G

Gene: DYNC2H1 (dynein cytoplasmic 2 heavy chain 1; plus strand). Cytogenetic location: 11q22.3.
Variant type: single nucleotide variant.
Coding change: c.11725+89C>G on transcript NM_001377.3 (MANE Select); 89 bases into the intron after coding-DNA position 11725, C replaced by G.
Molecular consequence: intron variant.
Genome position (GRCh38, 1-based): chr11:103,316,709, C>G. VCF-style: chr11-103316709-C-G. GRCh37 (hg19) VCF-style: chr11-103187438-C-G.
Other names: c.11746+89C>G (NM_001080463.2).
Identifiers: ClinVar variation 675082 (VCV000675082.2), dbSNP rs35573672, ClinGen allele CA227431560.

ClinVar aggregate classification (germline): Benign. Review status: criteria provided, multiple submitters, no conflicts (2 of 4 stars). 2 submissions from 2 submitters: Benign (2). Last evaluated 2018-06-14.

Allele frequency attached by ClinVar (database versions not stated): TOPMed 0.14079; 1000 Genomes Project 30x 0.14663; 1000 Genomes Project 0.15335; gnomAD 0.15362 and 0.15739; gnomAD exomes 0.22518.
gnomAD v4.1: 211,105 of 985,644 alleles (21%); highest among the groups gnomAD compares: South Asian, 26%; 23,211 homozygotes.

Submissions (2):

GeneDx
Classification: Benign. Last evaluated: 2018-06-14. Review status: criteria provided, single submitter. Criteria: GeneDx Variant Classification (06012015). Collection method: clinical testing. Allele origin: germline. Affected: yes.
Comment: This variant is considered likely benign or benign based on one or more of the following criteria: it is a conservative change, it occurs at a poorly conserved position in the protein, it is predicted to be benign by multiple in silico algorithms, and/or has population frequency not consistent with disease.

Breakthrough Genomics
Classification: Benign. Review status: criteria provided, single submitter. Criteria: ACMG Guidelines, 2015. Collection method: not provided. Allele origin: germline. Inheritance: Autosomal recessive inheritance. Affected: yes.